The following is an entry in ClinVar:

NM_001098.3(ACO2):c.1967G>C (p.Arg656Thr)

Genes: ACO2 (aconitase 2; plus strand), POLR3H (RNA polymerase III subunit H; minus strand). Cytogenetic location: 22q13.2.
Variant type: single nucleotide variant.
Coding change: c.1967G>C on transcript NM_001098.3 (MANE Select); coding-DNA position 1967, G replaced by C.
Protein change: p.Arg656Thr; replaces arginine 656 with threonine.
Molecular consequence: missense variant. On other transcripts: 3 prime UTR variant (5).
Genome position (GRCh38, 1-based): chr22:41,527,301, G>C. VCF-style: chr22-41527301-G-C. GRCh37 (hg19) VCF-style: chr22-41923305-G-C.
Other names: c.*1982C>G (NM_001018050.4, NM_001018052.4, NM_001282884.2 and 2 more transcripts); short protein forms R656T.
Identifiers: ClinVar variation 1382922 (VCV001382922.6), dbSNP rs373935698, ClinGen allele CA10257846.

ClinVar aggregate classification (germline): Uncertain significance (1 of 4 stars; one submission).

Allele frequency attached by ClinVar (database versions not stated): gnomAD exomes below 0.00001; ExAC 0.00001; TOPMed 0.00001; gnomAD 0.00002 and 0.00003; ESP Exome Variant Server 0.00008.
gnomAD v4.1: 7 of 1,614,108 alleles (0.00043%); highest among the groups gnomAD compares: African/African-American, 0.0067%; no homozygotes.

Submission:

Labcorp Genetics (formerly Invitae), Labcorp
Classification: Uncertain significance. Last evaluated: 2024-04-05. Review status: criteria provided, single submitter. Criteria: Invitae Variant Classification Sherloc (09022015). Collection method: clinical testing. Allele origin: germline.
Comment: This sequence change replaces arginine, which is basic and polar, with threonine, which is neutral and polar, at codon 656 of the ACO2 protein (p.Arg656Thr). This variant is present in population databases (rs373935698, gnomAD 0.01%). This variant has not been reported in the literature in individuals affected with ACO2-related conditions. ClinVar contains an entry for this variant (Variation ID: 1382922). Advanced modeling of protein sequence and biophysical properties (such as structural, functional, and spatial information, amino acid conservation, physicochemical variation, residue mobility, and thermodynamic stability) performed at Invitae indicates that this missense variant is not expected to disrupt ACO2 protein function with a negative predictive value of 80%. In summary, the available evidence is currently insufficient to determine the role of this variant in disease. Therefore, it has been classified as a Variant of Uncertain Significance.